The following is an entry in ClinVar:

ClinVar aggregate classification (germline): Benign. Review status: criteria provided, multiple submitters, no conflicts (2 of 4 stars). 16 submissions from 16 submitters: Benign (11). 5 of the submissions do not count toward it. Last evaluated 2026-02-04.

Conditions:
Juvenile polyposis syndrome (JPS). Identifiers: Orphanet 2929, MedGen C0345893, MONDO:0017380, OMIM 174900.
Hereditary cancer-predisposing syndrome. Also called: Hereditary Cancer Syndrome; Hereditary neoplastic syndrome; Neoplastic Syndromes, Hereditary; Tumor predisposition. Identifiers: Orphanet 140162, MedGen C0027672, MeSH D009386, MONDO:0015356.
Generalized juvenile polyposis/juvenile polyposis coli. Also called: Juvenile polyposis coli. Identifiers: Orphanet 329971, MedGen C1868081, MONDO:0008276.
Polyposis syndrome, hereditary mixed, 2. Identifiers: Orphanet 157794, MedGen C1864730, MONDO:0012405, OMIM 610069.

Allele frequency attached by ClinVar (database versions not stated): gnomAD exomes 0.00586; gnomAD 0.02242 and 0.02404; ESP Exome Variant Server 0.02414; 1000 Genomes Project 0.02596; TOPMed 0.02614; 1000 Genomes Project 30x 0.02873.
gnomAD v4.1: 6,829 of 1,614,160 alleles (0.42%); highest among the groups gnomAD compares: African/African-American, 8.1%; 252 homozygotes.

Submissions (16):

Labcorp Genetics (formerly Invitae), Labcorp
Classification: Benign for Juvenile polyposis syndrome. Last evaluated: 2026-02-04. Review status: criteria provided, single submitter. Criteria: Invitae Variant Classification Sherloc (09022015). Collection method: clinical testing. Allele origin: germline.

Center for Genomic Medicine, Rigshospitalet, Copenhagen University Hospital
Classification: Benign. Last evaluated: 2025-03-04. Review status: criteria provided, single submitter. Criteria: ACMG Guidelines, 2015. Collection method: clinical testing. Allele origin: germline.

Institute for Biomarker Research, Medical Diagnostic Laboratories, L.L.C.
Classification: Benign for Hereditary cancer-predisposing syndrome. Last evaluated: 2025-01-20. Review status: criteria provided, single submitter. Criteria: ACMG Guidelines, 2015. Collection method: clinical testing. Allele origin: germline.
Comment: The splice region variant NM_004329.3(BMPR1A):c.1342+6A>G has been reported to ClinVar as Benign with a status of (2 stars) criteria provided, multiple submitters, no conflicts (Variation ID 301352 as of 2025-01-02).The c.1342+6A>G variant is observed in 130/5,008 (2.5958%) alleles from individuals of 1kG All background in 1kG, indicating it is a common benign variant. The c.1342+6A>G variant is not predicted to disrupt the existing donor splice site 4bp upstream by any splice site algorithm. The c.1342+6A>G variant results in a substitution of a base that is not predicted conserved by GERP++ and PhyloP. For these reasons, this variant has been classified as Benign.

Myriad Genetics, Inc.
Classification: Benign for Juvenile polyposis syndrome. Last evaluated: 2024-08-07. Review status: criteria provided, single submitter. Criteria: Myriad Autosomal Dominant, Autosomal Recessive and X-Linked Classification Criteria (2023). Collection method: clinical testing. Allele origin: unknown.
Comment: This variant is considered benign. This variant is intronic and is not expected to impact mRNA splicing. This variant has been observed at a population frequency that is significantly greater than expected given the associated disease prevalence and penetrance.

KCCC/NGS Laboratory, Kuwait Cancer Control Center
Classification: Benign for Juvenile polyposis syndrome. Last evaluated: 2023-07-07. Review status: criteria provided, single submitter. Criteria: ACMG Guidelines, 2015. Collection method: clinical testing. Allele origin: germline. Affected: yes.

Quest Diagnostics Nichols Institute San Juan Capistrano
Classification: Benign. Last evaluated: 2020-09-23. Review status: criteria provided, single submitter. Criteria: Quest Diagnostics criteria. Collection method: clinical testing. Allele origin: unknown.

Illumina Laboratory Services, Illumina
Classification: Benign for Juvenile polyposis syndrome. Last evaluated: 2018-01-12. Review status: criteria provided, single submitter. Criteria: ICSL Variant Classification Criteria 13 December 2019. Collection method: clinical testing. Allele origin: germline.
Comment: This variant was observed in the ICSL laboratory as part of a predisposition screen in an ostensibly healthy population. It had not been previously curated by ICSL or reported in the Human Gene Mutation Database (HGMD: prior to June 1st, 2018), and was therefore a candidate for classification through an automated scoring system. Utilizing variant allele frequency, disease prevalence and penetrance estimates, and inheritance mode, an automated score was calculated to assess if this variant is too frequent to cause the disease. Based on the score and internal cut-off values, a variant classified as benign is not then subjected to further curation. The score for this variant resulted in a classification of benign for this disease.

PreventionGenetics, part of Exact Sciences
Classification: Benign. Last evaluated: 2016-11-07. Review status: criteria provided, single submitter. Criteria: ACMG Guidelines, 2015. Collection method: clinical testing. Allele origin: germline.

Color Diagnostics, LLC DBA Color Health
Classification: Benign for Hereditary cancer-predisposing syndrome. Last evaluated: 2016-03-09. Review status: criteria provided, single submitter. Criteria: ACMG Guidelines, 2015. Collection method: clinical testing. Allele origin: germline.

GeneDx
Classification: Benign. Last evaluated: 2015-03-03. Review status: criteria provided, single submitter. Criteria: GeneDx Variant Classification Process June 2021. Collection method: clinical testing. Allele origin: germline. Affected: yes.

Breakthrough Genomics
Classification: Benign. Review status: criteria provided, single submitter. Criteria: ACMG Guidelines, 2015. Collection method: not provided. Allele origin: germline. Inheritance: Autosomal dominant inheritance. Affected: yes.

Clinical Genetics, Academic Medical Center
Classification: Benign. Review status: no assertion criteria provided. Collection method: clinical testing. Allele origin: germline. Affected: yes. Study: VKGL Data-share Consensus. Not counted in ClinVar's aggregate classification.

Department of Pathology and Laboratory Medicine, Sinai Health System
Classification: Benign for Polyposis syndrome, hereditary mixed, 2. Review status: no assertion criteria provided. Collection method: clinical testing. Allele origin: unknown. Affected: yes. Observed: 2 variant alleles. Study: The Canadian Open Genetics Repository (COGR). Not counted in ClinVar's aggregate classification.
Comment: The BMPR1A c.1342+6A>G was identified in dbSNP (ID: rs55763614) as â€šÃ„ÃºWith Likely benign alleleâ€šÃ„Ã¹, and ClinVar (classified as benign by Invitae, Quest Diagnostics Nichols Institute San Juan Capistrano, Color, Prevention Genetics and Mayo Clinic Genetic Testing Laboratories; and likely benign by Illumina). The variant was identified in control databases in 2067 (75 homozygous) of 277240 chromosomes at a frequency of 0.007 (Genome Aggregation Database Feb 27, 2017), observed in the following populations: African in 1906 (75 homozygous) of 24032 chromosomes (freq: 0.08), Other in 18 of 6466 chromosomes (freq: 0.003), Latino in 118 of 34418 chromosomes (freq: 0.003), European Non-Finnish in 22 of 126728 chromosomes (freq: 0.0002), and South Asian in 3 of 30780 chromosomes (freq: 0.0001), while not observed in the Ashkenazi Jewish, East Asian, and European Finnish populations. The c.1342+6A>G variant is located in the 5' splice region but does not affect the invariant +1 and +2 positions. However, positions +3 to +6 are part of the splicing consensus sequence and variants involving these positions sometimes affect splicing. In silico or computational prediction software programs (SpliceSiteFinder, MaxEntScan, NNSPLICE, GeneSplicer) do not predict a difference in splicing. In summary, based on the above information this variant meets our laboratory's criteria to be classified as benign.

Genome Diagnostics Laboratory, Amsterdam University Medical Center
Classification: Benign. Review status: no assertion criteria provided. Collection method: clinical testing. Allele origin: germline. Affected: yes. Study: VKGL Data-share Consensus. Not counted in ClinVar's aggregate classification.

Joint Genome Diagnostic Labs from Nijmegen and Maastricht, Radboudumc and MUMC+
Classification: Benign. Review status: no assertion criteria provided. Collection method: clinical testing. Allele origin: germline. Affected: yes. Study: VKGL Data-share Consensus. Not counted in ClinVar's aggregate classification.

Mayo Clinic Laboratories, Mayo Clinic
Classification: Benign. Review status: no assertion criteria provided. Collection method: clinical testing. Allele origin: unknown. Not counted in ClinVar's aggregate classification.

NM_004329.3(BMPR1A):c.1342+6A>G

Gene: BMPR1A (bone morphogenetic protein receptor type 1A; plus strand). Cytogenetic location: 10q23.2.
Variant type: single nucleotide variant.
Coding change: c.1342+6A>G on transcript NM_004329.3 (MANE Select); 6 bases into the intron after coding-DNA position 1342, A replaced by G.
Molecular consequence: intron variant.
Genome position (GRCh38, 1-based): chr10:86,921,701, A>G. VCF-style: chr10-86921701-A-G. GRCh37 (hg19) VCF-style: chr10-88681458-A-G.
Identifiers: ClinVar variation 301352 (VCV000301352.41), dbSNP rs55763614, ClinGen allele CA5585685.